The following is an entry in ClinVar:

ClinVar aggregate classification (germline): Benign/Likely benign. Review status: criteria provided, multiple submitters, no conflicts (2 of 4 stars). 3 submissions from 3 submitters: Benign (1); Likely benign (2). Last evaluated 2026-01-28.

Conditions:
Prolidase deficiency. Identifiers: Orphanet 742, MedGen C0268532, MONDO:0008221, OMIM 170100.

Allele frequency attached by ClinVar (database versions not stated): gnomAD 0.00012 and 0.00036; TOPMed 0.00024; gnomAD exomes 0.00067; ExAC 0.00089; 1000 Genomes Project 30x 0.00234; 1000 Genomes Project 0.00260.
gnomAD v4.1: 757 of 1,603,342 alleles (0.047%); highest among the groups gnomAD compares: East Asian, 1.2%; 7 homozygotes.

Submissions (3):

Labcorp Genetics (formerly Invitae), Labcorp
Classification: Benign. Last evaluated: 2026-01-28. Review status: criteria provided, single submitter. Criteria: Invitae Variant Classification Sherloc (09022015). Collection method: clinical testing. Allele origin: germline.

Blueprint Genetics
Classification: Likely benign. Last evaluated: 2024-11-15. Review status: criteria provided, single submitter. Criteria: ACMG Guidelines, 2015. Collection method: clinical testing. Allele origin: germline.

Illumina Laboratory Services, Illumina
Classification: Likely benign for Prolidase deficiency. Last evaluated: 2018-01-13. Review status: criteria provided, single submitter. Criteria: ICSL Variant Classification Criteria 13 December 2019. Collection method: clinical testing. Allele origin: germline.
Comment: This variant was observed in the ICSL laboratory as part of a predisposition screen in an ostensibly healthy population. It had not been previously curated by ICSL or reported in the Human Gene Mutation Database (HGMD: prior to June 1st, 2018), and was therefore a candidate for classification through an automated scoring system. Utilizing variant allele frequency, disease prevalence and penetrance estimates, and inheritance mode, an automated score was calculated to assess if this variant is too frequent to cause the disease. Based on the score and internal cut-off values, a variant classified as likely benign is not then subjected to further curation. The score for this variant resulted in a classification of likely benign for this disease.

NM_000285.4(PEPD):c.504-9G>A

Gene: PEPD (peptidase D; minus strand). Cytogenetic location: 19q13.11.
Variant type: single nucleotide variant.
Coding change: c.504-9G>A on transcript NM_000285.4 (MANE Select); 9 bases into the intron before coding-DNA position 504, G replaced by A.
Molecular consequence: intron variant.
Genome position (GRCh38, 1-based): chr19:33,478,099, C>T on the plus strand (G>A on the coding strand, the complement: PEPD is on the minus strand). VCF-style: chr19-33478099-C-T. GRCh37 (hg19) VCF-style: chr19-33969005-C-T.
Other names: c.312-9G>A (NM_001166057.2); c.504-9G>A (NM_001166056.2).
Identifiers: ClinVar variation 328814 (VCV000328814.14), dbSNP rs75766592, ClinGen allele CA9364276.
Genomic context (GRCh38, chr19:33,478,099, plus strand): 5'-TACTCACCACTCAACGATCTCTGGGTGAAGAATGGTATTGTTGACTTCGAACCTGTAGGG[C>T]GAAAAGAAATCAAGCCCATTAATCCAACGGTCTGTCATGTCCCAGCAAGAACTACCTCAT-3'